The following is an entry in ClinVar:

NM_002734.5(PRKAR1A):c.623del (p.Gly208fs)

Gene: PRKAR1A (protein kinase cAMP-dependent type I regulatory subunit alpha; plus strand). Cytogenetic location: 17q24.2.
Variant type: Deletion.
Coding change: c.623del on transcript NM_002734.5 (MANE Select); coding-DNA position 623, one base deleted (G; older notation c.623delG).
Protein change: p.Gly208fs; shifts the reading frame from glycine 208.
Molecular consequence: frameshift variant.
Genome position (GRCh38, 1-based): chr17:68,525,827, G deleted; the last of 2 consecutive G bases (chr17:68,525,826-68,525,827); deleting either gives the same sequence. VCF-style (leftmost placement, unchanged base first): chr17-68525825-TG-T. GRCh37 (hg19) VCF-style: chr17-66521966-TG-T.
Other names: c.623del, p.Gly208fs (NM_001276289.2, NM_001276290.1, NM_001278433.2 and 4 more transcripts); short protein forms G208fs.
Identifiers: ClinVar variation 164995 (VCV000164995.15), dbSNP rs727503379, ClinGen allele CA273214.
Genomic context (GRCh38, chr17:68,525,825, plus strand): 5'-CAATGAATGGGCAACCAGTGTTGGGGAAGGAGGGAGCTTTGGAGAACTTGCTTTGATTTA[TG>T]GAACACCGAGAGCAGCCACTGTCAAAGCAAAGACAAATGTGAAATTGTGGGGCATCGACC-3'

ClinVar aggregate classification (germline): Pathogenic. Review status: criteria provided, multiple submitters, no conflicts (2 of 4 stars). 4 submissions from 4 submitters: Pathogenic (3). 1 of the submissions does not count toward it. Last evaluated 2025-01-30.

Conditions:
Carney complex, type 1 (CNC1). Also called: CARNEY COMPLEX, TYPE I; CARNEY MYXOMA-ENDOCRINE COMPLEX. Identifiers: Orphanet 1359, MedGen C2607929, MONDO:0008057, OMIM 160980.
Carney complex. Also called: LAMB SYNDROME; MYXOMA, SPOTTY PIGMENTATION, AND ENDOCRINE OVERACTIVITY; NAME SYNDROME; CARNEY SYNDROME. Identifiers: Orphanet 1359, MedGen C0406810, MONDO:0015285.

Submissions (4):

Labcorp Genetics (formerly Invitae), Labcorp
Classification: Pathogenic for Carney complex, type 1. Last evaluated: 2025-01-30. Review status: criteria provided, single submitter. Criteria: Invitae Variant Classification Sherloc (09022015). Collection method: clinical testing. Allele origin: germline.
Comment: This sequence change creates a premature translational stop signal (p.Gly208Glufs*14) in the PRKAR1A gene. It is expected to result in an absent or disrupted protein product. Loss-of-function variants in PRKAR1A are known to be pathogenic (PMID: 11115848, 19293268). This variant is not present in population databases (gnomAD no frequency). This premature translational stop signal has been observed in individual(s) with Carney complex (PMID: 10974026). This variant is also known as ∆FSterGly208. ClinVar contains an entry for this variant (Variation ID: 164995). For these reasons, this variant has been classified as Pathogenic.

GeneDx
Classification: Pathogenic. Last evaluated: 2016-07-14. Review status: criteria provided, single submitter. Criteria: GeneDx Variant Classification (06012015). Collection method: clinical testing. Allele origin: germline. Affected: yes.
Comment: The c.623delG variant in the PRKAR1A gene has been reported previously in association Carney complex, where it was shown to result in decreased R1Î± protein in lymphocytes (Casey et al., 2000). The c.623delG deletion causes a frameshift starting with codon Glycine 208 , changes this amino acid to a Glutamic acid residue and creates a premature Stop codon at position 14 of the new reading frame, denoted p.Gly208GlufsX14. This pathogenic variant is predicted to cause loss of normal protein function either through protein truncation or nonsense-mediated mRNA decay. In addition, the c.623delG variant was not observed in approximately 6,500 individuals of European and African American ancestry in the NHLBI Exome Sequencing Project. Therefore, we consider c.623delG to be a pathogenic variant.

Laboratory for Molecular Medicine, Mass General Brigham Personalized Medicine
Classification: Pathogenic for Carney complex. Last evaluated: 2014-06-09. Review status: criteria provided, single submitter. Criteria: LMM Criteria. Collection method: clinical testing. Allele origin: germline. Inheritance: Autosomal dominant inheritance. Observed: 1 variant allele.
Comment: The Gly208fs variant in PRKAR1A has been previously reported in one family with Carney complex (Casey 1998, Casey 2000) but was absent from large population stu dies. This frameshift variant is predicted to alter the protein?s amino acid seq uence beginning at position 208 and lead to a premature termination codon 14 ami no acids downstream. This alteration is then predicted to lead to a truncated or absent protein. This prediction is further supported by functional analyses (Ca sey 2000). Loss of function of the PRKAR1A gene is an established disease mechan ism in individuals with Carney complex (Kirschner, 2000). In summary, this varia nt meets our criteria to be classified as pathogenic (LMM).

OMIM
Classification: Pathogenic for CARNEY COMPLEX, TYPE 1. Last evaluated: 2000-09-01. Review status: no assertion criteria provided. Collection method: literature only. Allele origin: germline. Not counted in ClinVar's aggregate classification.

Literature cited by the submitters: PubMed 11115848 (cited by Labcorp Genetics (formerly Invitae), Labcorp); PubMed 19293268 (cited by Labcorp Genetics (formerly Invitae), Labcorp); PubMed 10974026 (cited by 3 submitters).